The following is an entry in ClinVar:

ClinVar aggregate classification (germline): Uncertain significance (1 of 4 stars; one submission).

Allele frequency attached by ClinVar (database versions not stated): gnomAD 0.00001; ExAC 0.00002.

Submission:

Labcorp Genetics (formerly Invitae), Labcorp
Classification: Uncertain significance. Last evaluated: 2026-02-02. Review status: criteria provided, single submitter. Criteria: Invitae Variant Classification Sherloc (09022015). Collection method: clinical testing. Allele origin: germline.
Comment: This sequence change replaces proline, which is neutral and non-polar, with serine, which is neutral and polar, at codon 133 of the ADGRG1 protein (p.Pro133Ser). This variant is present in population databases (rs747112813, gnomAD 0.01%). This variant has not been reported in the literature in individuals affected with ADGRG1-related conditions. ClinVar contains an entry for this variant (Variation ID: 2085985). Invitae Evidence Modeling of protein sequence and biophysical properties (such as structural, functional, and spatial information, amino acid conservation, physicochemical variation, residue mobility, and thermodynamic stability) indicates that this missense variant is not expected to disrupt ADGRG1 protein function with a negative predictive value of 95%. In summary, the available evidence is currently insufficient to determine the role of this variant in disease. Therefore, it has been classified as a Variant of Uncertain Significance.

NM_201525.4(ADGRG1):c.397C>T (p.Pro133Ser)

Gene: ADGRG1 (adhesion G protein-coupled receptor G1; plus strand). Cytogenetic location: 16q21.
Variant type: single nucleotide variant.
Coding change: c.397C>T on transcript NM_201525.4 (MANE Select); coding-DNA position 397, C replaced by T.
Protein change: p.Pro133Ser; replaces proline 133 with serine.
Molecular consequence: missense variant. On other transcripts: 5 prime UTR variant (5), intron variant (1).
Genome position (GRCh38, 1-based): chr16:57,651,532, C>T. VCF-style: chr16-57651532-C-T. GRCh37 (hg19) VCF-style: chr16-57685444-C-T.
Other names: c.397C>T, p.Pro133Ser (NM_001145770.3, NM_001145771.3, NM_001145772.3 and 16 more transcripts); c.412C>T, p.Pro138Ser (NM_001145773.3, NM_001370433.1); c.-129C>T (NM_001290143.2, NM_001290144.2, NM_001370451.1 and 2 more transcripts); c.241C>T, p.Pro81Ser (NM_001370442.1); c.110+287C>T (NM_001290142.2); short protein forms P138S, P81S, P133S.
Identifiers: ClinVar variation 2085985 (VCV002085985.2), dbSNP rs747112813, ClinGen allele CA8078348.
Genomic context (GRCh38, chr16:57,651,532, plus strand): 5'-AGTGACAAAGCCTCTAGCCTCCTCTGCTTCCAGCACCAGGAGGAGAGCCTGGCTCAGGGC[C>T]CCCCGCTGTTAGCCACTTCTGTCACCTCCTGGTGGAGCCCTCAGAACATCAGCCTGCCCA-3'
Protein context (NP_958933.1, residues 123-143): QHQEESLAQG[Pro133Ser]PLLATSVTSW